The following is an entry in ClinVar:

NM_004336.5(BUB1):c.929A>G (p.Asp310Gly)

Gene: BUB1 (BUB1 mitotic checkpoint serine/threonine kinase; minus strand). Cytogenetic location: 2q13.
Variant type: single nucleotide variant.
Coding change: c.929A>G on transcript NM_004336.5 (MANE Select); coding-DNA position 929, A replaced by G.
Protein change: p.Asp310Gly; replaces aspartic acid 310 with glycine.
Molecular consequence: missense variant.
Genome position (GRCh38, 1-based): chr2:110,666,291, T>C on the plus strand (A>G on the coding strand, the complement: BUB1 is on the minus strand). VCF-style: chr2-110666291-T-C. GRCh37 (hg19) VCF-style: chr2-111423868-T-C.
Other names: c.869A>G, p.Asp290Gly (NM_001278616.2); c.929A>G, p.Asp310Gly (NM_001278617.2); short protein forms D310G, D290G.
Identifiers: ClinVar variation 1766455 (VCV001766455.2), dbSNP rs2468025779, ClinGen allele CA348216325.

ClinVar aggregate classification (germline): Uncertain significance (1 of 4 stars; one submission).

Allele frequency attached by ClinVar (database versions not stated): gnomAD exomes below 0.00001.
gnomAD v4.1: 1 of 1,480,540 alleles (0.000068%); highest among the groups gnomAD compares: Non-Finnish European, 0.00009%; no homozygotes.

Submission:

Ambry Genetics
Classification: Uncertain significance. Last evaluated: 2021-07-11. Review status: criteria provided, single submitter. Criteria: Ambry Variant Classification Scheme 2023. Collection method: clinical testing. Allele origin: germline.
Comment: The p.D310G variant (also known as c.929A>G), located in coding exon 9 of the BUB1 gene, results from an A to G substitution at nucleotide position 929. The aspartic acid at codon 310 is replaced by glycine, an amino acid with similar properties. This amino acid position is conserved. In addition, this alteration is predicted to be tolerated by in silico analysis. Since supporting evidence is limited at this time, the clinical significance of this alteration remains unclear.